The following is an entry in ClinVar:

ClinVar aggregate classification (germline): Likely benign. Review status: criteria provided, multiple submitters, no conflicts (2 of 4 stars). 3 submissions from 3 submitters: Likely benign (2). 1 of the submissions does not count toward it. Last evaluated 2026-09-01.

Conditions:
ANK3-related disorder. Also called: ANK3-related condition.

Allele frequency attached by ClinVar (database versions not stated): ESP Exome Variant Server 0.00523; gnomAD exomes 0.00583; 1000 Genomes Project 30x 0.00078; 1000 Genomes Project 0.00100; gnomAD 0.00364; ExAC 0.00381; TOPMed 0.00396.
gnomAD v4.1: 9,118 of 1,614,234 alleles (0.56%); highest among the groups gnomAD compares: Non-Finnish European, 0.68%; 33 homozygotes.

Submissions (3):

CeGaT Center for Human Genetics Tuebingen
Classification: Likely benign. Last evaluated: 2026-09-01. Review status: criteria provided, single submitter. Criteria: CeGaT Center For Human Genetics Tuebingen Variant Classification Criteria Version 2. Collection method: clinical testing. Allele origin: germline. Affected: yes. Observed: 29 variant alleles.
Comment: ANK3: BP4, BS2

Blueprint Genetics
Classification: Likely benign. Last evaluated: 2024-11-21. Review status: criteria provided, single submitter. Criteria: ACMG Guidelines, 2015. Collection method: clinical testing. Allele origin: germline.

PreventionGenetics, part of Exact Sciences
Classification: Benign for ANK3-related condition. Last evaluated: 2019-06-12. Review status: no assertion criteria provided. Collection method: clinical testing. Allele origin: germline. Not counted in ClinVar's aggregate classification.
Comment: This variant is classified as benign based on ACMG/AMP sequence variant interpretation guidelines (Richards et al. 2015 PMID: 25741868, with internal and published modifications).

NM_020987.5(ANK3):c.12596-355G>T

Gene: ANK3 (ankyrin 3; minus strand). Cytogenetic location: 10q21.2.
Variant type: single nucleotide variant.
Coding change: c.12596-355G>T on transcript NM_020987.5 (MANE Select); 355 bases into the intron before coding-DNA position 12596, G replaced by T.
Molecular consequence: intron variant. On other transcripts: missense variant (4).
Genome position (GRCh38, 1-based): chr10:60,059,785, C>A on the plus strand (G>T on the coding strand, the complement: ANK3 is on the minus strand). VCF-style: chr10-60059785-C-A. GRCh37 (hg19) VCF-style: chr10-61819543-C-A.
Other names: c.2380G>T, p.Asp794Tyr (NM_001149.4); c.4960G>T, p.Asp1654Tyr (NM_001204403.2); c.4981G>T, p.Asp1661Tyr (NM_001204404.2); c.4978G>T, p.Asp1660Tyr (NM_001320874.2); c.4981G>T (NM_001204404.1); short protein forms D1654Y, D1660Y, D1661Y, D794Y.
Identifiers: ClinVar variation 1711257 (VCV001711257.32), dbSNP rs139092048, ClinGen allele CA5510799.
Genomic context (GRCh38, chr10:60,059,785, plus strand): 5'-CATCTACATCCACTGCTTCAGGCATTTCTGTTAAAGGCACTGAGTCTTCCAGTTTGCTGT[C>A]TTCTAAGGAAGCGTCTTCTGCAGTTACGACTGGAGGTCCATCTGCGGAATGCTCTATGTT-3'